The following is an entry in ClinVar:

ClinVar aggregate classification (germline): Uncertain significance (1 of 4 stars; one submission).

Submissions (2):

Labcorp Genetics (formerly Invitae), Labcorp
Classification: Uncertain significance. Last evaluated: 2024-06-20. Review status: criteria provided, single submitter. Criteria: Invitae Variant Classification Sherloc (09022015). Collection method: clinical testing. Allele origin: germline.
Comment: This sequence change replaces glycine, which is neutral and non-polar, with alanine, which is neutral and non-polar, at codon 1504 of the COL4A5 protein (p.Gly1504Ala). This variant is not present in population databases (gnomAD no frequency). This missense change has been observed in individual(s) with clinical features of Alport syndrome (Invitae). It has also been observed to segregate with disease in related individuals. An algorithm developed to predict the effect of missense changes on protein structure and function (PolyPhen-2) suggests that this variant is likely to be disruptive. This variant disrupts the p.Gly1504 amino acid residue in COL4A5. Other variant(s) that disrupt this residue have been observed in individuals with COL4A5-related conditions (PMID: 35020912; Invitae), which suggests that this may be a clinically significant amino acid residue. In summary, the available evidence is currently insufficient to determine the role of this variant in disease. Therefore, it has been classified as a Variant of Uncertain Significance.

Dr. Peter K. Rogan Lab, Western University
No classification provided (evidence only). Condition: Nonpapillary renal cell carcinoma. Review status: no classification provided. Collection method: in vitro. Allele origin: not applicable. Functional consequence: retained intron. Not counted in ClinVar's aggregate classification.

Literature cited by the submitters: PubMed 35020912 (cited by Labcorp Genetics (formerly Invitae), Labcorp).

NM_033380.3(COL4A5):c.4529G>C (p.Gly1510Ala)

Gene: COL4A5 (collagen type IV alpha 5 chain; plus strand). Cytogenetic location: Xq22.3.
Variant type: single nucleotide variant.
Coding change: c.4529G>C on transcript NM_033380.3 (MANE Select); coding-DNA position 4529, G replaced by C.
Protein change: p.Gly1510Ala; replaces glycine 1510 with alanine.
Molecular consequence: missense variant.
Genome position (GRCh38, 1-based): chrX:108,692,748, G>C. VCF-style: chrX-108692748-G-C. GRCh37 (hg19) VCF-style: chrX-107935978-G-C.
Other names: c.4511G>C, p.Gly1504Ala (NM_000495.5); short protein forms G1504A, G1510A.
Identifiers: ClinVar variation 3643613 (VCV003643613.3).